The following is an entry in ClinVar:

NM_170601.5(SIAE):c.1512_1514del (p.Pro505del)

Gene: SIAE (sialic acid acetylesterase; minus strand). Cytogenetic location: 11q24.2.
Variant type: Deletion.
Coding change: c.1512_1514del on transcript NM_170601.5 (MANE Select); coding-DNA positions 1512 to 1514, 3 bases deleted (TCC; older notation c.1512_1514delTCC).
Protein change: p.Pro505del; deletes proline 505.
Molecular consequence: inframe deletion.
Genome position (GRCh38, 1-based): chr11:124,637,009-124,637,011, GGA deleted on the plus strand (TCC on the coding strand, the reverse complement: SIAE is on the minus strand); deleting any 3 consecutive bases within chr11:124,637,009-124,637,013 gives the same sequence; the c. name uses the placement nearest the transcript's 3' end. VCF-style (leftmost placement, unchanged base first): chr11-124637008-GGGA-G. GRCh37 (hg19) VCF-style: chr11-124506904-GGGA-G.
Other names: c.1407_1409del, p.Pro470del (NM_001199922.2); short protein forms P505del, P470del.
Identifiers: ClinVar variation 1362367 (VCV001362367.8), dbSNP rs1248299282, ClinGen allele CA477689828.

ClinVar aggregate classification (germline): Uncertain significance (1 of 4 stars; one submission).

Submission:

Labcorp Genetics (formerly Invitae), Labcorp
Classification: Uncertain significance. Last evaluated: 2022-08-21. Review status: criteria provided, single submitter. Criteria: Invitae Variant Classification Sherloc (09022015). Collection method: clinical testing. Allele origin: germline.
Comment: Experimental studies and prediction algorithms are not available or were not evaluated, and the functional significance of this variant is currently unknown. In summary, the available evidence is currently insufficient to determine the role of this variant in disease. Therefore, it has been classified as a Variant of Uncertain Significance. ClinVar contains an entry for this variant (Variation ID: 1362367). This variant has not been reported in the literature in individuals affected with SIAE-related conditions. This variant, c.1512_1514del, results in the deletion of 1 amino acid(s) of the SIAE protein (p.Pro505del), but otherwise preserves the integrity of the reading frame. This variant is not present in population databases (gnomAD no frequency).